The following is an entry in ClinVar:

ClinVar aggregate classification (germline): Uncertain significance (1 of 4 stars; one submission).

Allele frequency attached by ClinVar (database versions not stated): gnomAD exomes 0.00001.
gnomAD v4.1: 18 of 1,611,962 alleles (0.0011%); highest among the groups gnomAD compares: Non-Finnish European, 0.0014%; no homozygotes.

Submission:

Labcorp Genetics (formerly Invitae), Labcorp
Classification: Uncertain significance. Last evaluated: 2023-02-13. Review status: criteria provided, single submitter. Criteria: Invitae Variant Classification Sherloc (09022015). Collection method: clinical testing. Allele origin: germline.
Comment: This sequence change replaces arginine, which is basic and polar, with tryptophan, which is neutral and slightly polar, at codon 235 of the A4GALT protein (p.Arg235Trp). The frequency data for this variant in the population databases is considered unreliable, as metrics indicate poor data quality at this position in the gnomAD database. This variant has not been reported in the literature in individuals affected with A4GALT-related conditions. Algorithms developed to predict the effect of missense changes on protein structure and function output the following: SIFT: "Not Available"; PolyPhen-2: "Benign"; Align-GVGD: "Not Available". The tryptophan amino acid residue is found in multiple mammalian species, which suggests that this missense change does not adversely affect protein function. In summary, the available evidence is currently insufficient to determine the role of this variant in disease. Therefore, it has been classified as a Variant of Uncertain Significance.

NM_017436.7(A4GALT):c.703C>T (p.Arg235Trp)

Gene: A4GALT (alpha 1,4-galactosyltransferase (P1PK blood group); minus strand). Cytogenetic location: 22q13.2.
Variant type: single nucleotide variant.
Coding change: c.703C>T on transcript NM_017436.7 (MANE Select); coding-DNA position 703, C replaced by T.
Protein change: p.Arg235Trp; replaces arginine 235 with tryptophan.
Molecular consequence: missense variant.
Genome position (GRCh38, 1-based): chr22:42,693,249, G>A on the plus strand (C>T on the coding strand, the complement: A4GALT is on the minus strand). VCF-style: chr22-42693249-G-A. GRCh37 (hg19) VCF-style: chr22-43089255-G-A.
Other names: c.703C>T, p.Arg235Trp (NM_001318038.3); short protein forms R235W.
Identifiers: ClinVar variation 2786201 (VCV002786201.3), dbSNP rs766552140, ClinGen allele CA10270235.